The following is an entry in ClinVar:

ClinVar aggregate classification (germline): Uncertain significance (1 of 4 stars; one submission).

Conditions:
Dyskeratosis congenita, autosomal dominant 2. Identifiers: MedGen C3151443, MONDO:0013521, OMIM 613989.
Idiopathic Pulmonary Fibrosis. Also called: Idiopathic fibrosing alveolitis, chronic form; idiopathic fibrosing alveolitis. Identifiers: Orphanet 2032, MedGen C1800706, MeSH D054990, MONDO:0800504.

Submission:

Labcorp Genetics (formerly Invitae), Labcorp
Classification: Uncertain significance for Dyskeratosis congenita, autosomal dominant 2; Idiopathic Pulmonary Fibrosis. Last evaluated: 2025-01-19. Review status: criteria provided, single submitter. Criteria: Invitae Variant Classification Sherloc (09022015). Collection method: clinical testing. Allele origin: germline.
Comment: This sequence change falls in intron 15 of the TERT gene. It does not directly change the encoded amino acid sequence of the TERT protein. This variant is not present in population databases (gnomAD no frequency). This variant has not been reported in the literature in individuals affected with TERT-related conditions. Algorithms developed to predict the effect of sequence changes on RNA splicing suggest that this variant may disrupt the consensus splice site. In summary, the available evidence is currently insufficient to determine the role of this variant in disease. Therefore, it has been classified as a Variant of Uncertain Significance.

NM_198253.3(TERT):c.3296-5C>A

Gene: TERT (telomerase reverse transcriptase; minus strand). Cytogenetic location: 5p15.33.
Variant type: single nucleotide variant.
Coding change: c.3296-5C>A on transcript NM_198253.3 (MANE Select); 5 bases into the intron before coding-DNA position 3296, C replaced by A.
Molecular consequence: intron variant.
Genome position (GRCh38, 1-based): chr5:1,253,836, G>T on the plus strand (C>A on the coding strand, the complement: TERT is on the minus strand). VCF-style: chr5-1253836-G-T. GRCh37 (hg19) VCF-style: chr5-1253951-G-T.
Other names: c.3107-5C>A (NM_001193376.3).
Identifiers: ClinVar variation 3760360 (VCV003760360.2).